The following is an entry in ClinVar:

ClinVar aggregate classification (germline): Pathogenic (1 of 4 stars; one submission).

Submission:

Labcorp Genetics (formerly Invitae), Labcorp
Classification: Pathogenic. Last evaluated: 2021-08-12. Review status: criteria provided, single submitter. Criteria: Invitae Variant Classification Sherloc (09022015). Collection method: clinical testing. Allele origin: germline.
Comment: This variant is a gross deletion of the genomic region encompassing exon(s) 16-18 of the CNGB3 gene, which includes the termination codon. This deletion extends beyond the assayed region for this gene and therefore may encompass additional genes. While this deletion is not anticipated to lead to nonsense mediated decay, it is expected to alter mRNA translation or result in a truncated protein product. This variant has not been reported in the literature in individuals affected with CNGB3-related conditions. This variant disrupts a region of the CNGB3 protein in which other variant(s) (deletion of exons 16-17) have been determined to be pathogenic (PMID: 28795510). This suggests that this is a clinically significant region of the protein, and that variants that disrupt it are likely to be disease-causing. For these reasons, this variant has been classified as Pathogenic.

Literature cited by the submitters: PubMed 28795510.

NC_000008.10:g.(?_87588022)_(87591490_?)del

Gene: CNGB3 (cyclic nucleotide gated channel subunit beta 3; minus strand). Cytogenetic location: 8q21.3.
Variant type: Deletion.
Identifiers: ClinVar variation 1460051 (VCV001460051.5).